The following is an entry in ClinVar:

ClinVar aggregate classification (germline): Likely benign. Review status: criteria provided, multiple submitters, no conflicts (2 of 4 stars). 2 submissions from 2 submitters: Likely benign (2). Last evaluated 2024-09-29.

Allele frequency attached by ClinVar (database versions not stated): TOPMed 0.00003; gnomAD exomes 0.00005; gnomAD 0.00011; ExAC 0.00014.
gnomAD v4.1: 92 of 1,535,648 alleles (0.006%); highest among the groups gnomAD compares: Non-Finnish European, 0.0046%; no homozygotes.

Submissions (2):

Labcorp Genetics (formerly Invitae), Labcorp
Classification: Likely benign. Last evaluated: 2024-09-29. Review status: criteria provided, single submitter. Criteria: Invitae Variant Classification Sherloc (09022015). Collection method: clinical testing. Allele origin: germline.

CeGaT Center for Human Genetics Tuebingen
Classification: Likely benign. Last evaluated: 2024-08-01. Review status: criteria provided, single submitter. Criteria: CeGaT Center For Human Genetics Tuebingen Variant Classification Criteria Version 2. Collection method: clinical testing. Allele origin: germline. Affected: yes. Observed: 1 variant allele.
Comment: ZMIZ1: BP4, BP7

NM_020338.4(ZMIZ1):c.1020C>T (p.Ala340=)

Gene: ZMIZ1 (zinc finger MIZ-type containing 1; plus strand). Cytogenetic location: 10q22.3.
Variant type: single nucleotide variant.
Coding change: c.1020C>T on transcript NM_020338.4 (MANE Select); coding-DNA position 1020, C replaced by T.
Protein change: p.Ala340=; no amino-acid change (alanine 340 retained).
Molecular consequence: synonymous variant.
Genome position (GRCh38, 1-based): chr10:79,293,443, C>T. VCF-style: chr10-79293443-C-T. GRCh37 (hg19) VCF-style: chr10-81053200-C-T.
Identifiers: ClinVar variation 2909653 (VCV002909653.19), dbSNP rs771418827, ClinGen allele CA5572513.